The following is an entry in ClinVar:

ClinVar aggregate classification (germline): Likely benign (1 of 4 stars; one submission).

Allele frequency attached by ClinVar (database versions not stated): gnomAD exomes 0.00008; 1000 Genomes Project 0.00020; ExAC 0.00021; 1000 Genomes Project 30x 0.00031; ESP Exome Variant Server 0.00044.
gnomAD v4.1: 221 of 1,551,984 alleles (0.014%); highest among the groups gnomAD compares: African/African-American, 0.21%; no homozygotes.

Submission:

CeGaT Center for Human Genetics Tuebingen
Classification: Likely benign. Last evaluated: 2023-02-01. Review status: criteria provided, single submitter. Criteria: CeGaT Center For Human Genetics Tuebingen Variant Classification Criteria Version 2. Collection method: clinical testing. Allele origin: germline. Affected: yes. Observed: 1 variant allele.
Comment: ERICH6B: BP4, BP7

NM_182542.3(ERICH6B):c.486G>A (p.Ala162=)

Gene: ERICH6B (glutamate rich 6B; minus strand). Cytogenetic location: 13q14.13.
Variant type: single nucleotide variant.
Coding change: c.486G>A on transcript NM_182542.3 (MANE Select); coding-DNA position 486, G replaced by A.
Protein change: p.Ala162=; no amino-acid change (alanine 162 retained).
Molecular consequence: synonymous variant.
Genome position (GRCh38, 1-based): chr13:45,596,520, C>T on the plus strand (G>A on the coding strand, the complement: ERICH6B is on the minus strand). VCF-style: chr13-45596520-C-T. GRCh37 (hg19) VCF-style: chr13-46170655-C-T.
Identifiers: ClinVar variation 2643802 (VCV002643802.24), dbSNP rs374513715, ClinGen allele CA6973058.